The following is an entry in ClinVar:

NM_000181.4(GUSB):c.1521G>A (p.Trp507Ter)

Genes: GUSB (glucuronidase beta; minus strand), LOC126860055 (MED14-independent group 3 enhancer GRCh37_chr7:65432190-65433389; plus strand). Cytogenetic location: 7q11.21.
Variant type: single nucleotide variant.
Coding change: c.1521G>A on transcript NM_000181.4 (MANE Select); coding-DNA position 1521, G replaced by A.
Protein change: p.Trp507Ter; replaces tryptophan 507 with a stop codon.
Molecular consequence: nonsense. On other transcripts: non-coding transcript variant (1).
Genome position (GRCh38, 1-based): chr7:65,967,863, C>T on the plus strand (G>A on the coding strand, the complement: GUSB is on the minus strand). VCF-style: chr7-65967863-C-T. GRCh37 (hg19) VCF-style: chr7-65432850-C-T.
Other names: c.1083G>A, p.Trp361Ter (NM_001284290.2); c.951G>A, p.Trp317Ter (NM_001293104.2); c.864G>A, p.Trp288Ter (NM_001293105.2); short protein forms W507*, W288*, W317*, W361*.
Identifiers: ClinVar variation 900 (VCV000000900.9), dbSNP rs121918179, ClinGen allele CA339844.

ClinVar aggregate classification (germline): Pathogenic. Review status: criteria provided, multiple submitters, no conflicts (2 of 4 stars). 5 submissions from 5 submitters: Pathogenic (4). 1 of the submissions does not count toward it. Last evaluated 2025-03-18.

Conditions:
Mucopolysaccharidosis type 7 (MPS7). Also called: MPS VII; BETA-GLUCURONIDASE DEFICIENCY; SLY SYNDROME; GUSB DEFICIENCY. Identifiers: Orphanet 584, MedGen C0085132, MONDO:0009662, OMIM 253220.

Allele frequency attached by ClinVar (database versions not stated): gnomAD exomes below 0.00001 and 0.00001; gnomAD 0.00001; TOPMed 0.00001; ExAC 0.00002.
gnomAD v4.1: 4 of 1,605,508 alleles (0.00025%); highest among the groups gnomAD compares: African/African-American, 0.0013%; no homozygotes.

Submissions (5):

Labcorp Genetics (formerly Invitae), Labcorp
Classification: Pathogenic for Mucopolysaccharidosis type 7. Last evaluated: 2025-03-18. Review status: criteria provided, single submitter. Criteria: Invitae Variant Classification Sherloc (09022015). Collection method: clinical testing. Allele origin: germline.
Comment: This sequence change creates a premature translational stop signal (p.Trp507*) in the GUSB gene. It is expected to result in an absent or disrupted protein product. Loss-of-function variants in GUSB are known to be pathogenic (PMID: 19224584). This variant is present in population databases (rs121918179, gnomAD 0.008%). This premature translational stop signal has been observed in individual(s) with mucopolysaccharidosis VII (PMID: 7633414). This variant is also known as W507X. ClinVar contains an entry for this variant (Variation ID: 900). For these reasons, this variant has been classified as Pathogenic.

GeneDx
Classification: Pathogenic. Last evaluated: 2023-09-05. Review status: criteria provided, single submitter. Criteria: GeneDx Variant Classification Process June 2021. Collection method: clinical testing. Allele origin: germline. Affected: yes.
Comment: Nonsense variant predicted to result in protein truncation or nonsense mediated decay in a gene for which loss of function is a known mechanism of disease; Published functional studies found this variant is associated with significantly reduced enzyme activity (Yamada S et al., 1995); Not observed at significant frequency in large population cohorts (gnomAD); This variant is associated with the following publications: (PMID: 25525159, 34426522, 19224584, 7633414, 8644704)

Baylor Genetics
Classification: Pathogenic for Mucopolysaccharidosis type 7. Last evaluated: 2019-06-30. Review status: criteria provided, single submitter. Criteria: ACMG Guidelines, 2015. Collection method: clinical testing. Allele origin: unknown. Affected: yes.
Comment: This variant was determined to be pathogenic according to ACMG Guidelines, 2015 [PMID:25741868].

Women's Health and Genetics/Laboratory Corporation of America, LabCorp
Classification: Pathogenic for Mucopolysaccharidosis type VII. Last evaluated: 2018-03-29. Review status: criteria provided, single submitter. Criteria: LabCorp Variant Classification Summary - May 2015. Collection method: clinical testing. Allele origin: germline.
Comment: Variant summary: GUSB c.1521G>A (p.Trp507X) results in a premature termination codon, predicted to cause a truncation of the encoded protein or absence of the protein due to nonsense mediated decay, which are commonly known mechanisms for disease. The variant allele was found at a frequency of 1.1e-05 in 270504 control chromosomes. This frequency is not higher than expected for a pathogenic variant in GUSB causing Mucopolysaccharidosis Type VI (Sly Syndrome) (1.1e-05 vs 0.0011), allowing no conclusion about variant significance. c.1521G>A has been reported in the literature in two individuals affected with severe Mucopolysaccharidosis Type VI (Sly Syndrome) (Vervoort 1996, Yamada 1995). These data indicate that the variant may be associated with disease. At least one publication reports experimental evidence showing that B-glucuronidase enzyme activity of the variant allele was less than 10% of a normal control (Yamada 1995). No clinical diagnostic laboratories have submitted clinical-significance assessments for this variant to ClinVar after 2014. Based on the evidence outlined above, the variant was classified as pathogenic.

OMIM
Classification: Pathogenic for MUCOPOLYSACCHARIDOSIS, TYPE VII. Last evaluated: 1995-04-01. Review status: no assertion criteria provided. Collection method: literature only. Allele origin: germline. Not counted in ClinVar's aggregate classification.

Literature cited by the submitters: PubMed 19224584 (cited by Labcorp Genetics (formerly Invitae), Labcorp and Women's Health and Genetics/Laboratory Corporation of America, LabCorp); PubMed 7633414 (cited by 3 submitters); PubMed 23777470 (cited by Women's Health and Genetics/Laboratory Corporation of America, LabCorp); PubMed 8644704 (cited by Women's Health and Genetics/Laboratory Corporation of America, LabCorp).